The following is an entry in ClinVar:

ClinVar aggregate classification (germline): Conflicting classifications of pathogenicity. Review status: criteria provided, conflicting classifications (1 of 4 stars). 3 submissions from 3 submitters: Uncertain significance (2); Likely benign (1). Last evaluated 2024-04-03.

Conditions:
Inborn genetic diseases. Identifiers: MedGen C0950123, MeSH D030342.
Hemolytic anemia due to glucophosphate isomerase deficiency (CNSHA4). Also called: ANEMIA, CONGENITAL, NONSPHEROCYTIC HEMOLYTIC, 4. Identifiers: Orphanet 712, MedGen C0272064, MONDO:0013275, OMIM 613470.

Allele frequency attached by ClinVar (database versions not stated): TOPMed 0.00011; ExAC 0.00009; gnomAD 0.00007.
gnomAD v4.1: 85 of 1,613,822 alleles (0.0053%); highest among the groups gnomAD compares: East Asian, 0.013%; no homozygotes.

Submissions (5):

Mayo Clinic Laboratories, Mayo Clinic
Classification: Uncertain significance. Last evaluated: 2024-04-03. Review status: criteria provided, single submitter. Criteria: ACMG Guidelines, 2015. Collection method: clinical testing. Allele origin: germline. Observed: 1 variant allele.
Comment: BP4

Ambry Genetics
Classification: Likely benign for Inborn genetic diseases. Last evaluated: 2022-12-21. Review status: criteria provided, single submitter. Criteria: Ambry Variant Classification Scheme 2023. Collection method: clinical testing. Allele origin: germline.

Revvity Omics, Revvity
Classification: Uncertain significance for Hemolytic anemia due to glucophosphate isomerase deficiency. Last evaluated: 2022-11-01. Review status: criteria provided, single submitter. Criteria: ACMG Guidelines, 2015. Collection method: clinical testing. Allele origin: germline.

Dr. Peter K. Rogan Lab, Western University
No classification provided (evidence only). Condition: Ovarian serous cystadenocarcinoma. Review status: no classification provided. Collection method: in vitro. Allele origin: not applicable. Functional consequence: retained intron. Not counted in ClinVar's aggregate classification.

Dr. Peter K. Rogan Lab, Western University
No classification provided (evidence only). Condition: Uterine carcinosarcoma. Review status: no classification provided. Collection method: in vitro. Allele origin: not applicable. Functional consequence: retained intron. Not counted in ClinVar's aggregate classification.

NM_000175.5(GPI):c.695C>T (p.Ala232Val)

Gene: GPI (glucose-6-phosphate isomerase; plus strand). Cytogenetic location: 19q13.11.
Variant type: single nucleotide variant.
Coding change: c.695C>T on transcript NM_000175.5 (MANE Select); coding-DNA position 695, C replaced by T.
Protein change: p.Ala232Val; replaces alanine 232 with valine.
Molecular consequence: missense variant.
Genome position (GRCh38, 1-based): chr19:34,378,995, C>T. VCF-style: chr19-34378995-C-T. GRCh37 (hg19) VCF-style: chr19-34869900-C-T.
Other names: p.Ala232Val; NC_000019.9:g.34869900C>T; c.728C>T, p.Ala243Val (NM_001184722.1); c.812C>T, p.Ala271Val (NM_001289789.1); c.611C>T, p.Ala204Val (NM_001289790.3); c.695C>T, p.Ala232Val (NM_001329909.1, NM_001329910.1, NM_001329911.2); short protein forms A204V, A243V, A232V, A271V.
Identifiers: ClinVar variation 2353066 (VCV002353066.7), dbSNP rs199742342, ClinGen allele CA9367159.